The following is an entry in ClinVar:

ClinVar aggregate classification (germline): Uncertain significance (1 of 4 stars; one submission).

Conditions:
Werner syndrome (WRN). Identifiers: Orphanet 902, MedGen C0043119, MONDO:0010196, OMIM 277700.

Allele frequency attached by ClinVar (database versions not stated): gnomAD exomes below 0.00001; TOPMed below 0.00001; gnomAD 0.00001.

Submission:

Labcorp Genetics (formerly Invitae), Labcorp
Classification: Uncertain significance for Werner syndrome. Last evaluated: 2023-11-08. Review status: criteria provided, single submitter. Criteria: Invitae Variant Classification Sherloc (09022015). Collection method: clinical testing. Allele origin: germline.
Comment: This sequence change replaces glycine, which is neutral and non-polar, with serine, which is neutral and polar, at codon 827 of the WRN protein (p.Gly827Ser). The frequency data for this variant in the population databases is considered unreliable, as metrics indicate poor data quality at this position in the gnomAD database. This variant has not been reported in the literature in individuals affected with WRN-related conditions. ClinVar contains an entry for this variant (Variation ID: 664880). An algorithm developed to predict the effect of missense changes on protein structure and function (PolyPhen-2) suggests that this variant is likely to be disruptive. In summary, the available evidence is currently insufficient to determine the role of this variant in disease. Therefore, it has been classified as a Variant of Uncertain Significance.

NM_000553.6(WRN):c.2479G>A (p.Gly827Ser)

Gene: WRN (WRN RecQ like helicase; plus strand). Cytogenetic location: 8p12.
Variant type: single nucleotide variant.
Coding change: c.2479G>A on transcript NM_000553.6 (MANE Select); coding-DNA position 2479, G replaced by A.
Protein change: p.Gly827Ser; replaces glycine 827 with serine.
Molecular consequence: missense variant.
Genome position (GRCh38, 1-based): chr8:31,120,273, G>A. VCF-style: chr8-31120273-G-A. GRCh37 (hg19) VCF-style: chr8-30977789-G-A.
Other names: short protein forms G827S.
Identifiers: ClinVar variation 664880 (VCV000664880.4), dbSNP rs1419513916, ClinGen allele CA370915249.